The following is an entry in ClinVar:

NM_001375524.1(TRRAP):c.4173C>A (p.Phe1391Leu)

Gene: TRRAP (transformation/transcription domain associated protein; plus strand). Cytogenetic location: 7q22.1.
Variant type: single nucleotide variant.
Coding change: c.4173C>A on transcript NM_001375524.1 (MANE Select); coding-DNA position 4173, C replaced by A.
Protein change: p.Phe1391Leu; replaces phenylalanine 1391 with leucine.
Molecular consequence: missense variant.
Genome position (GRCh38, 1-based): chr7:98,937,217, C>A. VCF-style: chr7-98937217-C-A. GRCh37 (hg19) VCF-style: chr7-98534840-C-A.
Other names: c.4173C>A, p.Phe1391Leu (NM_001244580.2, NM_003496.4); short protein forms F1391L.
Identifiers: ClinVar variation 4743425 (VCV004743425.1).

ClinVar aggregate classification (germline): Uncertain significance (1 of 4 stars; one submission).

Submission:

Labcorp Genetics (formerly Invitae), Labcorp
Classification: Uncertain significance. Last evaluated: 2025-08-26. Review status: criteria provided, single submitter. Criteria: Invitae Variant Classification Sherloc (09022015). Collection method: clinical testing. Allele origin: germline.
Comment: This sequence change replaces phenylalanine, which is neutral and non-polar, with leucine, which is neutral and non-polar, at codon 1391 of the TRRAP protein (p.Phe1391Leu). This variant is not present in population databases (gnomAD no frequency). This variant has not been reported in the literature in individuals affected with TRRAP-related conditions. Invitae Evidence Modeling of protein sequence and biophysical properties (such as structural, functional, and spatial information, amino acid conservation, physicochemical variation, residue mobility, and thermodynamic stability) indicates that this missense variant is not expected to disrupt TRRAP protein function with a negative predictive value of 80%. In summary, the available evidence is currently insufficient to determine the role of this variant in disease. Therefore, it has been classified as a Variant of Uncertain Significance.